The following is an entry in ClinVar:

ClinVar aggregate classification (germline): Conflicting classifications of pathogenicity. Review status: criteria provided, conflicting classifications (1 of 4 stars). 3 submissions from 1 submitter: Uncertain significance (2); Likely benign (1). Last evaluated 2018-01-13.

Conditions:
Pyruvate dehydrogenase E3 deficiency (DLDD). Also called: Dihydrolipoamide Dehydrogenase (E3) Deficiency; Lipoamide dehydrogenase deficiency, lactic acidosis due to; Lipoamide dehydrogenase deficiency; Dihydrolipoamide Dehydrogenase Deficiency; MAPLE SYRUP URINE DISEASE, TYPE III; DLD DEFICIENCY. Identifiers: Orphanet 2394, Orphanet 765, MedGen C5574660, MONDO:0009529, OMIM 246900.
Leigh syndrome (NULS). Also called: Leigh's syndrome; LEIGH SYNDROME, NUCLEAR; Leigh's necrotizing encephalopathy; Leigh's disease; Leigh Syndrome (mtDNA deletion); Leigh Disease. Identifiers: Orphanet 506, MedGen C2931891, MONDO:0009723, OMIM 256000.
Pyruvate dehydrogenase complex deficiency (PDHC). Also called: PDH DEFICIENCY; PYRUVATE DECARBOXYLASE DEFICIENCY; Pyruvate Dehydrogenase Complex Deficiency Disease; Pyruvate dehydrogenase deficiency; Ataxia with lactic acidosis 1. Identifiers: Orphanet 765, Orphanet 79243, MedGen C0034345, MONDO:0019169.

Allele frequency attached by ClinVar (database versions not stated): gnomAD 0.00004 and 0.00009; TOPMed 0.00005; 1000 Genomes Project 0.00060; 1000 Genomes Project 30x 0.00062.
gnomAD v4.1: 13 of 152,398 alleles (0.0085%); highest among the groups gnomAD compares: East Asian, 0.24%; no homozygotes.

Submissions (3):

Illumina Laboratory Services, Illumina
Classification: Uncertain significance for Leigh syndrome. Last evaluated: 2018-01-13. Review status: criteria provided, single submitter. Criteria: ICSL Variant Classification Criteria 13 December 2019. Collection method: clinical testing. Allele origin: germline.

Illumina Laboratory Services, Illumina
Classification: Uncertain significance for Pyruvate dehydrogenase complex deficiency. Last evaluated: 2018-01-13. Review status: criteria provided, single submitter. Criteria: ICSL Variant Classification Criteria 13 December 2019. Collection method: clinical testing. Allele origin: germline.

Illumina Laboratory Services, Illumina
Classification: Likely benign for Pyruvate dehydrogenase E3 deficiency. Last evaluated: 2018-01-13. Review status: criteria provided, single submitter. Criteria: ICSL Variant Classification Criteria 13 December 2019. Collection method: clinical testing. Allele origin: germline.
Comment: This variant was observed in the ICSL laboratory as part of a predisposition screen in an ostensibly healthy population. It had not been previously curated by ICSL or reported in the Human Gene Mutation Database (HGMD: prior to June 1st, 2018), and was therefore a candidate for classification through an automated scoring system. Utilizing variant allele frequency, disease prevalence and penetrance estimates, and inheritance mode, an automated score was calculated to assess if this variant is too frequent to cause the disease. Based on the score and internal cut-off values, a variant classified as likely benign is not then subjected to further curation. The score for this variant resulted in a classification of likely benign for this disease.

NM_000108.5(DLD):c.*1876G>A

Gene: DLD (dihydrolipoamide dehydrogenase; plus strand). Cytogenetic location: 7q31.1.
Variant type: single nucleotide variant.
Coding change: c.*1876G>A on transcript NM_000108.5 (MANE Select); 1876 bases downstream of the stop codon, G replaced by A.
Molecular consequence: 3 prime UTR variant.
Genome position (GRCh38, 1-based): chr7:107,921,135, G>A. VCF-style: chr7-107921135-G-A. GRCh37 (hg19) VCF-style: chr7-107561580-G-A.
Other names: c.*1876G>A (NM_001289750.1, NM_001289751.1, NM_001289752.1).
Identifiers: ClinVar variation 909641 (VCV000909641.4), dbSNP rs142001971, ClinGen allele CA164262843.